The following is an entry in ClinVar:

ClinVar aggregate classification (germline): Uncertain significance (1 of 4 stars; one submission).

Conditions:
Immunodeficiency 104. Also called: Severe Combined Immune Deficiency, Autosomal Recessive, TCell -Negative, B Cell-Positive, NK Cell-Positive, IL7R-Related; Severe combined immunodeficiency, autosomal recessive, T cell-negative, B cell-positive, NK cell-positive; SCID, AUTOSOMAL RECESSIVE, T CELL-NEGATIVE, B CELL-POSITIVE, NK CELL-POSITIVE; IMMUNODEFICIENCY 104, SEVERE COMBINED. Identifiers: MedGen C5676890, MONDO:0012163, OMIM 608971.

Allele frequency attached by ClinVar (database versions not stated): gnomAD 0.00001; gnomAD exomes 0.00001; TOPMed 0.00001.
gnomAD v4.1: 14 of 1,613,980 alleles (0.00087%); highest among the groups gnomAD compares: Non-Finnish European, 0.0012%; no homozygotes.

Submission:

Labcorp Genetics (formerly Invitae), Labcorp
Classification: Uncertain significance for Immunodeficiency 104. Last evaluated: 2022-08-16. Review status: criteria provided, single submitter. Criteria: Invitae Variant Classification Sherloc (09022015). Collection method: clinical testing. Allele origin: germline.
Comment: This sequence change replaces histidine, which is basic and polar, with arginine, which is basic and polar, at codon 519 of the PTPRC protein (p.His519Arg). This variant is present in population databases (no rsID available, gnomAD 0.002%). This variant has not been reported in the literature in individuals affected with PTPRC-related conditions. ClinVar contains an entry for this variant (Variation ID: 578435). Algorithms developed to predict the effect of missense changes on protein structure and function output the following: SIFT: "Tolerated"; PolyPhen-2: "Benign"; Align-GVGD: "Class C0". The arginine amino acid residue is found in multiple mammalian species, which suggests that this missense change does not adversely affect protein function. In summary, the available evidence is currently insufficient to determine the role of this variant in disease. Therefore, it has been classified as a Variant of Uncertain Significance.

NM_002838.5(PTPRC):c.1556A>G (p.His519Arg)

Gene: PTPRC (protein tyrosine phosphatase receptor type C; plus strand). Cytogenetic location: 1q32.1.
Variant type: single nucleotide variant.
Coding change: c.1556A>G on transcript NM_002838.5 (MANE Select); coding-DNA position 1556, A replaced by G.
Protein change: p.His519Arg; replaces histidine 519 with arginine.
Molecular consequence: missense variant.
Genome position (GRCh38, 1-based): chr1:198,718,199, A>G. VCF-style: chr1-198718199-A-G. GRCh37 (hg19) VCF-style: chr1-198687328-A-G.
Other names: c.1073A>G, p.His358Arg (NM_080921.4); short protein forms H519R, H358R.
Identifiers: ClinVar variation 578435 (VCV000578435.6), dbSNP rs1203819767, ClinGen allele CA344039166.
Genomic context (GRCh38, chr1:198,718,199, plus strand): 5'-ATAGTATGCATGTCAAGTGTAGGCCTCCCAGGGACCGTAATGGCCCCCATGAACGTTACC[A>G]TTTGGAAGTTGAAGCTGGAAATACTCTGGTTAGAAATGAGTCGCATAAGAATTGCGATTT-3'
Protein context (NP_002829.3, residues 509-529): RDRNGPHERY[His519Arg]LEVEAGNTLV